The following is an entry in ClinVar:

NM_020461.4(TUBGCP6):c.5030T>A (p.Val1677Glu)

Gene: TUBGCP6 (tubulin gamma complex component 6; minus strand). Cytogenetic location: 22q13.33.
Variant type: single nucleotide variant.
Coding change: c.5030T>A on transcript NM_020461.4 (MANE Select); coding-DNA position 5030, T replaced by A.
Protein change: p.Val1677Glu; replaces valine 1677 with glutamic acid.
Molecular consequence: missense variant.
Genome position (GRCh38, 1-based): chr22:50,218,327, A>T on the plus strand (T>A on the coding strand, the complement: TUBGCP6 is on the minus strand). VCF-style: chr22-50218327-A-T. GRCh37 (hg19) VCF-style: chr22-50656756-A-T.
Other names: short protein forms V1677E.
Identifiers: ClinVar variation 2827287 (VCV002827287.3), dbSNP rs2064453206, ClinGen allele CA412164539.

ClinVar aggregate classification (germline): Uncertain significance (1 of 4 stars; one submission).

Submission:

Labcorp Genetics (formerly Invitae), Labcorp
Classification: Uncertain significance. Last evaluated: 2024-10-17. Review status: criteria provided, single submitter. Criteria: Invitae Variant Classification Sherloc (09022015). Collection method: clinical testing. Allele origin: germline.
Comment: This sequence change replaces valine, which is neutral and non-polar, with glutamic acid, which is acidic and polar, at codon 1677 of the TUBGCP6 protein (p.Val1677Glu). This variant is not present in population databases (gnomAD no frequency). This variant has not been reported in the literature in individuals affected with TUBGCP6-related conditions. An algorithm developed to predict the effect of missense changes on protein structure and function (PolyPhen-2) suggests that this variant is likely to be disruptive. In summary, the available evidence is currently insufficient to determine the role of this variant in disease. Therefore, it has been classified as a Variant of Uncertain Significance.